The following is an entry in ClinVar:

ClinVar aggregate classification (germline): Likely benign (1 of 4 stars; one submission).

Allele frequency attached by ClinVar (database versions not stated): gnomAD exomes below 0.00001; TOPMed below 0.00001; ExAC 0.00001.
gnomAD v4.1: 8 of 1,588,210 alleles (0.0005%); highest among the groups gnomAD compares: African/African-American, 0.0027%; no homozygotes.

Submission:

CeGaT Center for Human Genetics Tuebingen
Classification: Likely benign. Last evaluated: 2022-06-01. Review status: criteria provided, single submitter. Criteria: CeGaT Center For Human Genetics Tuebingen Variant Classification Criteria Version 2. Collection method: clinical testing. Allele origin: germline. Affected: yes. Observed: 1 variant allele.
Comment: GAS2L2: BP4

NM_139285.4(GAS2L2):c.-5C>A

Gene: GAS2L2 (growth arrest specific 2 like 2; minus strand). Cytogenetic location: 17q12.
Variant type: single nucleotide variant.
Coding change: c.-5C>A on transcript NM_139285.4 (MANE Select); 5 bases upstream of the start codon, C replaced by A.
Molecular consequence: 5 prime UTR variant.
Genome position (GRCh38, 1-based): chr17:35,752,855, G>T on the plus strand (C>A on the coding strand, the complement: GAS2L2 is on the minus strand). VCF-style: chr17-35752855-G-T. GRCh37 (hg19) VCF-style: chr17-34079874-G-T.
Identifiers: ClinVar variation 2647675 (VCV002647675.24), dbSNP rs782188726, ClinGen allele CA8506536.